The following is an entry in ClinVar:

ClinVar aggregate classification (germline): Benign/Likely benign. Review status: criteria provided, multiple submitters, no conflicts (2 of 4 stars). 12 submissions from 12 submitters: Benign (2); Likely benign (7). 3 of the submissions do not count toward it. Last evaluated 2026-08-01.

Conditions:
Autosomal dominant cerebellar ataxia. Also called: Spinocerebellar Ataxia, Dominant. Identifiers: Orphanet 99, MedGen C4087347, MONDO:0020380.
Gillespie syndrome (GLSP). Also called: Aniridia, cerebellar ataxia, and mental deficiency; Aniridia-cerebellar ataxia-intellectual disability syndrome. Identifiers: Orphanet 1065, MedGen C0431401, MONDO:0008795, OMIM 206700.
Spinocerebellar ataxia type 29 (SCA29). Also called: CEREBELLAR ATAXIA, CONGENITAL NONPROGRESSIVE, AUTOSOMAL DOMINANT; Spinocerebellar ataxia 29, congenital nonprogressive. Identifiers: Orphanet 208513, MedGen C1861732, MONDO:0007298, OMIM 117360.
Spinocerebellar ataxia type 15/16 (SCA15). Also called: Spinocerebellar Ataxia Type 15. Identifiers: Orphanet 98769, MedGen C1847725, MONDO:0011694, OMIM 606658.
Inborn genetic diseases. Identifiers: MedGen C0950123, MeSH D030342.

Allele frequency attached by ClinVar (database versions not stated): 1000 Genomes Project 0.00020; 1000 Genomes Project 30x 0.00031; TOPMed 0.00081; ESP Exome Variant Server 0.00091; gnomAD exomes 0.00143 and 0.00157; gnomAD 0.00161 and 0.00168; ExAC 0.00164.
gnomAD v4.1: 2,309 of 1,613,988 alleles (0.14%); highest among the groups gnomAD compares: Non-Finnish European, 0.14%; 4 homozygotes.

Submissions (12):

CeGaT Center for Human Genetics Tuebingen
Classification: Likely benign. Last evaluated: 2026-08-01. Review status: criteria provided, single submitter. Criteria: CeGaT Center For Human Genetics Tuebingen Variant Classification Criteria Version 2. Collection method: clinical testing. Allele origin: germline. Affected: yes. Observed: 9 variant alleles.
Comment: ITPR1: BS2

Labcorp Genetics (formerly Invitae), Labcorp
Classification: Likely benign. Last evaluated: 2026-02-03. Review status: criteria provided, single submitter. Criteria: Invitae Variant Classification Sherloc (09022015). Collection method: clinical testing. Allele origin: germline.

Athena Diagnostics
Classification: Benign. Last evaluated: 2025-09-17. Review status: criteria provided, single submitter. Criteria: Athena Diagnostics Criteria. Collection method: clinical testing. Allele origin: unknown.
Comment: The frequency of this variant in the general population is higher than would generally be expected for pathogenic variants in this gene. Computational tools predict this amino acid change may be benign.

Ambry Genetics
Classification: Likely benign for Inborn genetic diseases. Last evaluated: 2025-01-09. Review status: criteria provided, single submitter. Criteria: Ambry Variant Classification Scheme 2023. Collection method: clinical testing. Allele origin: germline.

Blueprint Genetics
Classification: Likely benign. Last evaluated: 2024-10-09. Review status: criteria provided, single submitter. Criteria: ACMG Guidelines, 2015. Collection method: clinical testing. Allele origin: germline.

Fulgent Genetics
Classification: Likely benign for Spinocerebellar ataxia type 29; Gillespie syndrome; Spinocerebellar ataxia type 15/16. Last evaluated: 2021-08-25. Review status: criteria provided, single submitter. Criteria: ACMG Guidelines, 2015. Collection method: clinical testing. Allele origin: unknown.

GeneDx
Classification: Likely benign. Last evaluated: 2021-03-16. Review status: criteria provided, single submitter. Criteria: GeneDx Variant Classification Process June 2021. Collection method: clinical testing. Allele origin: germline. Affected: yes.
Comment: This variant is associated with the following publications: (PMID: 29925855)

Schule lab, Hertie Institute for Clinical Brain Research
Classification: Likely benign for Spinocerebellar ataxia type 29. Last evaluated: 2018-02-09. Review status: criteria provided, single submitter. Criteria: Synofzik et al. (Eur J Hum Genet. 2018). Collection method: research. Allele origin: inherited. Affected: yes. Observed: 2 variant alleles.

Illumina Laboratory Services, Illumina
Classification: Benign for Spinocerebellar Ataxia, Dominant. Last evaluated: 2018-01-13. Review status: criteria provided, single submitter. Criteria: ICSL Variant Classification Criteria 13 December 2019. Collection method: clinical testing. Allele origin: germline.
Comment: This variant was observed in the ICSL laboratory as part of a predisposition screen in an ostensibly healthy population. It had not been previously curated by ICSL or reported in the Human Gene Mutation Database (HGMD: prior to June 1st, 2018), and was therefore a candidate for classification through an automated scoring system. Utilizing variant allele frequency, disease prevalence and penetrance estimates, and inheritance mode, an automated score was calculated to assess if this variant is too frequent to cause the disease. Based on the score and internal cut-off values, a variant classified as benign is not then subjected to further curation. The score for this variant resulted in a classification of benign for this disease.

Clinical Genetics DNA and cytogenetics Diagnostics Lab, Erasmus MC, Erasmus Medical Center
Classification: Likely benign. Review status: no assertion criteria provided. Collection method: clinical testing. Allele origin: germline. Affected: yes. Study: VKGL Data-share Consensus. Not counted in ClinVar's aggregate classification.

Genome Diagnostics Laboratory, University Medical Center Utrecht
Classification: Likely benign. Review status: no assertion criteria provided. Collection method: clinical testing. Allele origin: germline. Affected: yes. Study: VKGL Data-share Consensus. Not counted in ClinVar's aggregate classification.

Laboratory of Diagnostic Genome Analysis, Leiden University Medical Center (LUMC)
Classification: Likely benign. Review status: no assertion criteria provided. Collection method: clinical testing. Allele origin: germline. Affected: yes. Study: VKGL Data-share Consensus. Not counted in ClinVar's aggregate classification.

Literature cited by the submitters: PubMed 29925855 (cited by Athena Diagnostics).

NM_001378452.1(ITPR1):c.3461A>G (p.Asp1154Gly)

Gene: ITPR1 (inositol 1,4,5-trisphosphate receptor type 1; plus strand). Cytogenetic location: 3p26.1.
Variant type: single nucleotide variant.
Coding change: c.3461A>G on transcript NM_001378452.1 (MANE Select); coding-DNA position 3461, A replaced by G.
Protein change: p.Asp1154Gly; replaces aspartic acid 1154 with glycine.
Molecular consequence: missense variant.
Genome position (GRCh38, 1-based): chr3:4,683,761, A>G. VCF-style: chr3-4683761-A-G. GRCh37 (hg19) VCF-style: chr3-4725445-A-G.
Other names: c.3434A>G, p.Asp1145Gly (NM_001099952.4); c.3416A>G, p.Asp1139Gly (NM_001168272.2); c.3389A>G, p.Asp1130Gly (NM_002222.7); short protein forms D1139G, D1130G, D1145G, D1154G.
Identifiers: ClinVar variation 345727 (VCV000345727.49), dbSNP rs61751570, ClinGen allele CA2231670.